The following is an entry in ClinVar:

NM_000135.4(FANCA):c.1871C>T (p.Ala624Val)

Gene: FANCA (FA complementation group A; minus strand). Cytogenetic location: 16q24.3.
Variant type: single nucleotide variant.
Coding change: c.1871C>T on transcript NM_000135.4 (MANE Select); coding-DNA position 1871, C replaced by T.
Protein change: p.Ala624Val; replaces alanine 624 with valine.
Molecular consequence: missense variant.
Genome position (GRCh38, 1-based): chr16:89,775,771, G>A on the plus strand (C>T on the coding strand, the complement: FANCA is on the minus strand). VCF-style: chr16-89775771-G-A. GRCh37 (hg19) VCF-style: chr16-89842179-G-A.
Other names: c.1871C>T, p.Ala624Val (NM_001286167.3); short protein forms A624V.
Identifiers: ClinVar variation 996294 (VCV000996294.10), dbSNP rs146491000, ClinGen allele CA8251998.

ClinVar aggregate classification (germline): Uncertain significance. Review status: criteria provided, multiple submitters, no conflicts (2 of 4 stars). 4 submissions from 4 submitters: Uncertain significance (3). 1 of the submissions does not count toward it. Last evaluated 2025-04-01.

Conditions:
Fanconi anemia (FA). Also called: Fanconi's anemia. Identifiers: Orphanet 84, MedGen C0015625, MeSH D005199, MONDO:0019391.
Inborn genetic diseases. Identifiers: MedGen C0950123, MeSH D030342.

Allele frequency attached by ClinVar (database versions not stated): TOPMed 0.00001; ESP Exome Variant Server 0.00008.
gnomAD v4.1: 2 of 1,612,770 alleles (0.00012%); highest among the groups gnomAD compares: African/African-American, 0.0013%; no homozygotes.

Submissions (4):

Ambry Genetics
Classification: Uncertain significance for Inborn genetic diseases. Last evaluated: 2025-04-01. Review status: criteria provided, single submitter. Criteria: Ambry Variant Classification Scheme 2023. Collection method: clinical testing. Allele origin: germline.
Comment: The p.A624V variant (also known as c.1871C>T), located in coding exon 21 of the FANCA gene, results from a C to T substitution at nucleotide position 1871. The alanine at codon 624 is replaced by valine, an amino acid with similar properties. This amino acid position is conserved. In addition, the in silico prediction for this alteration is inconclusive. Based on the available evidence, the clinical significance of this variant remains unclear.

Women's Health and Genetics/Laboratory Corporation of America, LabCorp
Classification: Uncertain significance. Last evaluated: 2022-11-03. Review status: criteria provided, single submitter. Criteria: LabCorp Variant Classification Summary - May 2015. Collection method: clinical testing. Allele origin: germline.
Comment: Variant summary: FANCA c.1871C>T (p.Ala624Val) results in a non-conservative amino acid change in the encoded protein sequence. Five of five in-silico tools predict a damaging effect of the variant on protein function. The variant allele was found at a frequency of 4e-06 in 249394 control chromosomes (gnomAD). The available data on variant occurrences in the general population are insufficient to allow any conclusion about variant significance. To our knowledge, no occurrence of c.1871C>T in individuals affected with Fanconi Anemia has been reported. A publication reported experimental evidence evaluating interactions of the variant protein with HSP70 and HSP90, but this assay does not allow convincing conclusions about the variant effect on protein function (Karras_2017). Two other clinical diagnostic laboratories have submitted clinical-significance assessments for this variant to ClinVar after 2014, and both of them classified the variant as uncertain significance. Based on the evidence outlined above, the variant was classified as uncertain significance.

Labcorp Genetics (formerly Invitae), Labcorp
Classification: Uncertain significance for Fanconi anemia. Last evaluated: 2021-10-31. Review status: criteria provided, single submitter. Criteria: Invitae Variant Classification Sherloc (09022015). Collection method: clinical testing. Allele origin: germline.
Comment: This sequence change replaces alanine, which is neutral and non-polar, with valine, which is neutral and non-polar, at codon 624 of the FANCA protein (p.Ala624Val). This variant is not present in population databases (gnomAD no frequency). This variant has not been reported in the literature in individuals affected with FANCA-related conditions. ClinVar contains an entry for this variant (Variation ID: 996294). Algorithms developed to predict the effect of missense changes on protein structure and function are either unavailable or do not agree on the potential impact of this missense change (SIFT: "Deleterious"; PolyPhen-2: "Possibly Damaging"; Align-GVGD: "Class C0"). Algorithms developed to predict the effect of sequence changes on RNA splicing suggest that this variant may create or strengthen a splice site. In summary, the available evidence is currently insufficient to determine the role of this variant in disease. Therefore, it has been classified as a Variant of Uncertain Significance.

Natera, Inc.
Classification: Uncertain significance for Fanconi anemia. Last evaluated: 2021-01-19. Review status: no assertion criteria provided. Collection method: clinical testing. Allele origin: germline. Not counted in ClinVar's aggregate classification.

Literature cited by the submitters: PubMed 28215707 (cited by Women's Health and Genetics/Laboratory Corporation of America, LabCorp).